The following is an entry in ClinVar:

NM_007255.3(B4GALT7):c.346C>G (p.Arg116Gly)

Gene: B4GALT7 (beta-1,4-galactosyltransferase 7; plus strand). Cytogenetic location: 5q35.3.
Variant type: single nucleotide variant.
Coding change: c.346C>G on transcript NM_007255.3 (MANE Select); coding-DNA position 346, C replaced by G.
Protein change: p.Arg116Gly; replaces arginine 116 with glycine.
Molecular consequence: missense variant.
Genome position (GRCh38, 1-based): chr5:177,604,474, C>G. VCF-style: chr5-177604474-C-G. GRCh37 (hg19) VCF-style: chr5-177031475-C-G.
Other names: short protein forms R116G.
Identifiers: ClinVar variation 1481336 (VCV001481336.7), dbSNP rs750028904, ClinGen allele CA362374064.

ClinVar aggregate classification (germline): Uncertain significance (1 of 4 stars; one submission).

gnomAD v4.1: 5 of 1,614,006 alleles (0.00031%); highest among the groups gnomAD compares: Admixed American, 0.0017%; no homozygotes.

Submission:

Labcorp Genetics (formerly Invitae), Labcorp
Classification: Uncertain significance for Ehlers-Danlos syndrome progeroid type. Last evaluated: 2021-05-31. Review status: criteria provided, single submitter. Criteria: Invitae Variant Classification Sherloc (09022015). Collection method: clinical testing. Allele origin: germline.
Comment: Algorithms developed to predict the effect of missense changes on protein structure and function (SIFT, PolyPhen-2, Align-GVGD) all suggest that this variant is likely to be tolerated, but these predictions have not been confirmed by published functional studies and their clinical significance is uncertain. This sequence change replaces arginine with glycine at codon 116 of the B4GALT7 protein (p.Arg116Gly). The arginine residue is weakly conserved and there is a moderate physicochemical difference between arginine and glycine. This variant is not present in population databases (ExAC no frequency). This variant has not been reported in the literature in individuals with B4GALT7-related conditions. In summary, the available evidence is currently insufficient to determine the role of this variant in disease. Therefore, it has been classified as a Variant of Uncertain Significance.